The following is an entry in ClinVar:

ClinVar aggregate classification (germline): Uncertain significance (1 of 4 stars; one submission).

Conditions:
Hypertrophic cardiomyopathy. Also called: HYPERTROPHIC MYOCARDIOPATHY. Identifiers: Orphanet 217569, MedGen C0007194, MeSH D002312, MONDO:0005045, HP:0001639.

Submission:

Labcorp Genetics (formerly Invitae), Labcorp
Classification: Uncertain significance for Hypertrophic cardiomyopathy. Last evaluated: 2022-05-14. Review status: criteria provided, single submitter. Criteria: Invitae Variant Classification Sherloc (09022015). Collection method: clinical testing. Allele origin: germline.
Comment: This variant results in a copy number gain of the genomic region encompassing exon(s) 34-40 of the MYH7 gene. This region includes the termination codon of the gene. This copy number gain extends beyond the assayed region for this gene and therefore may encompass additional genes. As the precise location of this event is unknown, it may be in tandem or it may be located elsewhere in the genome. This variant has not been reported in the literature in individuals affected with MYH7-related conditions. In summary, the available evidence is currently insufficient to determine the role of this variant in disease. Therefore, it has been classified as a Variant of Uncertain Significance.

NC_000014.8:g.(?_23882063)_(23885531_?)dup

Gene: MYH7 (myosin heavy chain 7; minus strand). Cytogenetic location: 14q11.2.
Variant type: Duplication.
Identifiers: ClinVar variation 2422700 (VCV002422700.3).